The following is an entry in ClinVar:

ClinVar aggregate classification (germline): Uncertain significance (1 of 4 stars; one submission).

Submission:

GeneDx
Classification: Uncertain significance. Last evaluated: 2014-03-11. Review status: criteria provided, single submitter. Criteria: GeneDx Variant Classification (06012015). Collection method: clinical testing. Allele origin: germline. Affected: yes.
Comment: p.Asp2552Asn (GAT>AAT): c.7654 G>A in exon 52 of the DMD gene (NM_004006.2). A variant of unknown significance has been identified in the DMD gene. The D2552N variant has not been published as a mutation, nor has it been reported as a benign polymorphism to our knowledge. The D2552N variant was not observed in approximately 6500 individuals of European and African American ancestry in the NHLBI Exome Sequencing Project, indicating it is not a common benign variant in these populations. The D2552N variant is a semi-conservative amino acid substitution, which may impact secondary protein structure as these residues differ in some properties. This substitution occurs at a position that is class conserved across species. In silico analysis predicts this variant is probably damaging to the protein structure/function. However, missense mutations in nearby residues have not been reported in association with DMD, and the majority of mutations in the DMD gene are truncating changes that result in a non-functional DMD allele (Darras B et al., 2000). Therefore, based on the currently available information, it is unclear whether this variant is a pathogenic mutation or a rare benign variant. The variant is found in CARDIOMYOPATHY panel(s).

NM_004006.3(DMD):c.7654G>A (p.Asp2552Asn)

Gene: DMD (dystrophin; minus strand). Cytogenetic location: Xp21.1.
Variant type: single nucleotide variant.
Coding change: c.7654G>A on transcript NM_004006.3 (MANE Select); coding-DNA position 7654, G replaced by A.
Protein change: p.Asp2552Asn; replaces aspartic acid 2552 with asparagine.
Molecular consequence: missense variant.
Genome position (GRCh38, 1-based): chrX:31,729,637, C>T on the plus strand (G>A on the coding strand, the complement: DMD is on the minus strand). VCF-style: chrX-31729637-C-T. GRCh37 (hg19) VCF-style: chrX-31747754-C-T.
Other names: p.D2552N:GAT>AAT; c.7630G>A, p.Asp2544Asn (NM_000109.4); c.7642G>A, p.Asp2548Asn (NM_004009.3); c.7285G>A, p.Asp2429Asn (NM_004010.3); c.3631G>A, p.Asp1211Asn (NM_004011.4); c.3622G>A, p.Asp1208Asn (NM_004012.4); c.274G>A, p.Asp92Asn (NM_004013.3, NM_004020.4, NM_004021.3 and 2 more transcripts); short protein forms D2552N, D1208N, D2429N, D2544N, D92N, D1211N, D2548N.
Identifiers: ClinVar variation 201739 (VCV000201739.2), dbSNP rs794729001, ClinGen allele CA308367.